The following is an entry in ClinVar:

NM_001365951.3(KIF1B):c.4118G>A (p.Arg1373Gln)

Gene: KIF1B (kinesin family member 1B; plus strand). Cytogenetic location: 1p36.22.
Variant type: single nucleotide variant.
Coding change: c.4118G>A on transcript NM_001365951.3 (MANE Select); coding-DNA position 4118, G replaced by A.
Protein change: p.Arg1373Gln; replaces arginine 1373 with glutamine.
Molecular consequence: missense variant.
Genome position (GRCh38, 1-based): chr1:10,360,991, G>A. VCF-style: chr1-10360991-G-A. GRCh37 (hg19) VCF-style: chr1-10421049-G-A.
Other names: c.4118G>A, p.Arg1373Gln (NM_001365952.1); c.3980G>A, p.Arg1327Gln (NM_015074.3); short protein forms R1373Q, R1327Q.
Identifiers: ClinVar variation 2561696 (VCV002561696.3), dbSNP rs774615554, ClinGen allele CA581990.

ClinVar aggregate classification (germline): Uncertain significance (1 of 4 stars; one submission).

Allele frequency attached by ClinVar (database versions not stated): gnomAD exomes below 0.00001; ExAC 0.00001; gnomAD 0.00001.
gnomAD v4.1: 6 of 1,613,818 alleles (0.00037%); highest among the groups gnomAD compares: East Asian, 0.0022%; no homozygotes.

Submission:

Ambry Genetics
Classification: Uncertain significance. Last evaluated: 2025-05-07. Review status: criteria provided, single submitter. Criteria: Ambry Variant Classification Scheme 2023. Collection method: clinical testing. Allele origin: germline.
Comment: The p.R1327Q variant (also known as c.3980G>A), located in coding exon 36 of the KIF1B gene, results from a G to A substitution at nucleotide position 3980. The arginine at codon 1327 is replaced by glutamine, an amino acid with highly similar properties. This amino acid position is highly conserved in available vertebrate species. In addition, this alteration is predicted to be deleterious by in silico analysis. The evidence for this gene-disease relationship is limited; therefore, the clinical significance of this alteration is unclear.